The following is an entry in ClinVar:

NM_001232.4(CASQ2):c.23T>C (p.Ile8Thr)

Gene: CASQ2 (calsequestrin 2; minus strand). Cytogenetic location: 1p13.1.
Variant type: single nucleotide variant.
Coding change: c.23T>C on transcript NM_001232.4 (MANE Select); coding-DNA position 23, T replaced by C.
Protein change: p.Ile8Thr; replaces isoleucine 8 with threonine.
Molecular consequence: missense variant.
Genome position (GRCh38, 1-based): chr1:115,768,519, A>G on the plus strand (T>C on the coding strand, the complement: CASQ2 is on the minus strand). VCF-style: chr1-115768519-A-G. GRCh37 (hg19) VCF-style: chr1-116311140-A-G.
Other names: short protein forms I8T.
Identifiers: ClinVar variation 463661 (VCV000463661.7), dbSNP rs1553197935, ClinGen allele CA341767430.
Genomic context (GRCh38, chr1:115,768,519, plus strand): 5'-TATGTGGGGAAATTAAGCCCCTCTTCTGCCCTGCAAGAGGACAGAAAATAAATCCCCACA[A>G]TAAACAAGTGAGTTCTCTTCATTTGGGAAAACTTTTGTTTCTCGTTCCCAAATATGCTGT-3'
Protein context (NP_001223.2, residues 1-18): MKRTHLF[Ile8Thr]VGIYFLSSCR

ClinVar aggregate classification (germline): Uncertain significance (1 of 4 stars; one submission).

Conditions:
Catecholaminergic polymorphic ventricular tachycardia 1. Also called: VENTRICULAR TACHYCARDIA, STRESS-INDUCED POLYMORPHIC 1; VENTRICULAR TACHYCARDIA, CATECHOLAMINERGIC POLYMORPHIC, 1, WITH OR WITHOUT ATRIAL DYSFUNCTION AND/OR DILATED CARDIOMYOPATHY; RYR2-Related Catecholaminergic Polymorphic Ventricular Tachycardia. Identifiers: Orphanet 3286, MedGen C1631597, MONDO:0011484, OMIM 604772.

Allele frequency attached by ClinVar (database versions not stated): gnomAD exomes below 0.00001.
gnomAD v4.1: 1 of 1,612,798 alleles (0.000062%); highest among the groups gnomAD compares: Non-Finnish European, 0.000085%; no homozygotes.

Submission:

Labcorp Genetics (formerly Invitae), Labcorp
Classification: Uncertain significance for Catecholaminergic polymorphic ventricular tachycardia 1. Last evaluated: 2021-08-28. Review status: criteria provided, single submitter. Criteria: Invitae Variant Classification Sherloc (09022015). Collection method: clinical testing. Allele origin: germline.
Comment: This sequence change replaces isoleucine with threonine at codon 8 of the CASQ2 protein (p.Ile8Thr). The isoleucine residue is weakly conserved and there is a moderate physicochemical difference between isoleucine and threonine. This variant is not present in population databases (ExAC no frequency). This variant has not been reported in the literature in individuals affected with CASQ2-related conditions. Algorithms developed to predict the effect of missense changes on protein structure and function are either unavailable or do not agree on the potential impact of this missense change (SIFT: "Deleterious"; PolyPhen-2: "Benign"; Align-GVGD: "Class C0"). In summary, the available evidence is currently insufficient to determine the role of this variant in disease. Therefore, it has been classified as a Variant of Uncertain Significance.